The following is an entry in ClinVar:

ClinVar aggregate classification (germline): Uncertain significance. Review status: criteria provided, multiple submitters, no conflicts (2 of 4 stars). 5 submissions from 5 submitters: Uncertain significance (5). Last evaluated 2026-07-06.

Conditions:
EPG5-related disorder. Also called: EPG5-related condition. Identifiers: MedGen CN381528.
Inborn genetic diseases. Identifiers: MedGen C0950123, MeSH D030342.
Vici syndrome (VICIS). Identifiers: Orphanet 1493, MedGen C1855772, MONDO:0009452, OMIM 242840.

Allele frequency attached by ClinVar (database versions not stated): gnomAD 0.00004; TOPMed 0.00004; gnomAD exomes 0.00007 and 0.00003; ExAC 0.00004.
gnomAD v4.1: 98 of 1,613,770 alleles (0.0061%); highest among the groups gnomAD compares: Middle Eastern, 0.016%; no homozygotes.

Submissions (5):

PreventionGenetics, part of Exact Sciences
Classification: Uncertain significance for EPG5-related condition. Last evaluated: 2026-07-06. Review status: criteria provided, single submitter. Criteria: ACMG Guidelines, 2015. Collection method: clinical testing. Allele origin: germline.
Comment: The EPG5 c.6761C>T variant is predicted to result in the amino acid substitution p.Pro2254Leu. To our knowledge, this variant has not been reported in the literature. This variant is reported in 0.0062% of alleles in individuals of European (Non-Finnish) descent in gnomAD. At this time, the clinical significance of this variant is uncertain due to the absence of conclusive functional and genetic evidence.

Ambry Genetics
Classification: Uncertain significance for Inborn genetic diseases. Last evaluated: 2025-03-30. Review status: criteria provided, single submitter. Criteria: Ambry Variant Classification Scheme 2023. Collection method: clinical testing. Allele origin: germline.

Blueprint Genetics
Classification: Uncertain significance. Last evaluated: 2024-09-09. Review status: criteria provided, single submitter. Criteria: ACMG Guidelines, 2015. Collection method: clinical testing. Allele origin: germline.

Labcorp Genetics (formerly Invitae), Labcorp
Classification: Uncertain significance for Vici syndrome. Last evaluated: 2022-07-25. Review status: criteria provided, single submitter. Criteria: Invitae Variant Classification Sherloc (09022015). Collection method: clinical testing. Allele origin: germline.
Comment: This sequence change replaces proline, which is neutral and non-polar, with leucine, which is neutral and non-polar, at codon 2254 of the EPG5 protein (p.Pro2254Leu). This variant is present in population databases (rs776541656, gnomAD 0.006%). This variant has not been reported in the literature in individuals affected with EPG5-related conditions. ClinVar contains an entry for this variant (Variation ID: 846439). Algorithms developed to predict the effect of missense changes on protein structure and function output the following: SIFT: "Deleterious"; PolyPhen-2: "Probably Damaging"; Align-GVGD: "Class C0". The leucine amino acid residue is found in multiple mammalian species, which suggests that this missense change does not adversely affect protein function. In summary, the available evidence is currently insufficient to determine the role of this variant in disease. Therefore, it has been classified as a Variant of Uncertain Significance.

Fulgent Genetics
Classification: Uncertain significance for Vici syndrome. Last evaluated: 2021-09-17. Review status: criteria provided, single submitter. Criteria: ACMG Guidelines, 2015. Collection method: clinical testing. Allele origin: unknown.

NM_020964.3(EPG5):c.6761C>T (p.Pro2254Leu)

Gene: EPG5 (ectopic P-granules 5 autophagy tethering factor; minus strand). Cytogenetic location: 18q12.3.
Variant type: single nucleotide variant.
Coding change: c.6761C>T on transcript NM_020964.3 (MANE Select); coding-DNA position 6761, C replaced by T.
Protein change: p.Pro2254Leu; replaces proline 2254 with leucine.
Molecular consequence: missense variant.
Genome position (GRCh38, 1-based): chr18:45,865,620, G>A on the plus strand (C>T on the coding strand, the complement: EPG5 is on the minus strand). VCF-style: chr18-45865620-G-A. GRCh37 (hg19) VCF-style: chr18-43445585-G-A.
Other names: short protein forms P2254L.
Identifiers: ClinVar variation 846439 (VCV000846439.12), dbSNP rs776541656, ClinGen allele CA8948179.